The following is an entry in ClinVar:

ClinVar aggregate classification (germline): Uncertain significance. Review status: criteria provided, single submitter (1 of 4 stars). 2 submissions from 1 submitter: Uncertain significance (1). 1 of the submissions does not count toward it. Last evaluated 2022-08-09.

Conditions:
Imerslund-Grasbeck syndrome. Also called: Megaloblastic anemia due to inborn errors of metabolism; ENTEROCYTE COBALAMIN MALABSORPTION; ENTEROCYTE INTRINSIC FACTOR RECEPTOR, DEFECT OF; PERNICIOUS ANEMIA, JUVENILE, DUE TO SELECTIVE INTESTINAL MALABSORPTION OF VITAMIN B12, WITH PROTEINURIA; Imerslund-Gräsbeck syndrome. Identifiers: Orphanet 35858, MedGen C4551825, MONDO:0009853.

Submissions (2):

Labcorp Genetics (formerly Invitae), Labcorp
Classification: Uncertain significance. Last evaluated: 2022-08-09. Review status: criteria provided, single submitter. Criteria: Invitae Variant Classification Sherloc (09022015). Collection method: clinical testing. Allele origin: germline.
Comment: A copy number gain of the genomic region encompassing the full coding sequence of the HACD1 gene has been identified. The boundaries of this event are unknown as they extend beyond the assayed region for this gene and therefore may encompass additional genes. As the precise location of this event is unknown, it may be in tandem or it may be located elsewhere in the genome. This variant has not been reported in the literature in individuals affected with HACD1-related conditions. In summary, the available evidence is currently insufficient to determine the role of this variant in disease. Therefore, it has been classified as a Variant of Uncertain Significance.

Labcorp Genetics (formerly Invitae), Labcorp
Classification: Uncertain significance for Imerslund-Grasbeck syndrome. Last evaluated: 2022-03-11. Review status: flagged submission. Criteria: Invitae Variant Classification Sherloc (09022015). Collection method: clinical testing. Allele origin: germline. Not counted in ClinVar's aggregate classification.
Comment: A copy number gain of the genomic region encompassing the full coding sequence of the CUBN gene has been identified. The boundaries of this event are unknown as they extend beyond the assayed region for this gene and therefore may encompass additional genes. As the precise location of this event is unknown, it may be in tandem or it may be located elsewhere in the genome. This variant has not been reported in the literature in individuals affected with CUBN-related conditions. In summary, the available evidence is currently insufficient to determine the role of this variant in disease. Therefore, it has been classified as a Variant of Uncertain Significance.
ClinVar note: Reason: This record appears to be redundant with a more recent record from the same submitter.
ClinVar note: Notes: SCV002185513 appears to be redundant with SCV003792921.

NC_000010.10:g.(?_16866974)_(18828653_?)dup

Genes: VIM (vimentin; plus strand), CACNB2 (calcium voltage-gated channel auxiliary subunit beta 2; plus strand), CUBN (cubilin; minus strand), HACD1 (3-hydroxyacyl-CoA dehydratase 1; minus strand), SLC39A12 (solute carrier family 39 member 12; plus strand) and 3 more. Cytogenetic location: 10p13-12.31.
Variant type: Duplication.
Identifiers: ClinVar variation 1410118 (VCV001410118.4).